The following is an entry in ClinVar:

ClinVar aggregate classification (germline): Uncertain significance. Review status: criteria provided, multiple submitters, no conflicts (2 of 4 stars). 2 submissions from 2 submitters: Uncertain significance (2). Last evaluated 2025-03-11.

Conditions:
Hereditary cancer-predisposing syndrome. Also called: Neoplastic Syndromes, Hereditary; Hereditary neoplastic syndrome; Tumor predisposition; Hereditary Cancer Syndrome. Identifiers: Orphanet 140162, MedGen C0027672, MeSH D009386, MONDO:0015356.
Ataxia-telangiectasia syndrome (AT). Also called: Ataxia telangiectasia (A-T); Cerebello-oculocutaneous telangiectasia; Immunodeficiency with ataxia telangiectasia; LOUIS-BAR SYNDROME; AT, COMPLEMENTATION GROUP C; ATAXIA-TELANGIECTASIA, FRESNO VARIANT. Identifiers: Orphanet 100, MedGen C0004135, MONDO:0008840, OMIM 208900.

Submissions (2):

Ambry Genetics
Classification: Uncertain significance for Hereditary cancer-predisposing syndrome. Last evaluated: 2025-03-11. Review status: criteria provided, single submitter. Criteria: Ambry Variant Classification Scheme 2023. Collection method: clinical testing. Allele origin: germline.
Comment: The p.A2308V variant (also known as c.6923C>T), located in coding exon 46 of the ATM gene, results from a C to T substitution at nucleotide position 6923. The alanine at codon 2308 is replaced by valine, an amino acid with similar properties. This amino acid position is highly conserved in available vertebrate species. In addition, this alteration is predicted to be deleterious by in silico analysis. Based on the available evidence, the clinical significance of this variant remains unclear.

Labcorp Genetics (formerly Invitae), Labcorp
Classification: Uncertain significance for Ataxia-telangiectasia syndrome. Last evaluated: 2023-10-28. Review status: criteria provided, single submitter. Criteria: Invitae Variant Classification Sherloc (09022015). Collection method: clinical testing. Allele origin: germline.
Comment: This sequence change replaces alanine, which is neutral and non-polar, with valine, which is neutral and non-polar, at codon 2308 of the ATM protein (p.Ala2308Val). This variant is not present in population databases (gnomAD no frequency). This variant has not been reported in the literature in individuals affected with ATM-related conditions. ClinVar contains an entry for this variant (Variation ID: 230229). An algorithm developed to predict the effect of missense changes on protein structure and function (PolyPhen-2) suggests that this variant is likely to be disruptive. In summary, the available evidence is currently insufficient to determine the role of this variant in disease. Therefore, it has been classified as a Variant of Uncertain Significance.

Literature cited by the submitters: PubMed 22369572 (cited by Ambry Genetics).

NM_000051.4(ATM):c.6923C>T (p.Ala2308Val)

Genes: ATM (ATM serine/threonine kinase; plus strand), C11orf65 (chromosome 11 open reading frame 65; minus strand). Cytogenetic location: 11q22.3.
Variant type: single nucleotide variant.
Coding change: c.6923C>T on transcript NM_000051.4 (MANE Select); coding-DNA position 6923, C replaced by T.
Protein change: p.Ala2308Val; replaces alanine 2308 with valine.
Molecular consequence: missense variant. On other transcripts: intron variant (2).
Genome position (GRCh38, 1-based): chr11:108,326,173, C>T. VCF-style: chr11-108326173-C-T. GRCh37 (hg19) VCF-style: chr11-108196900-C-T.
Other names: c.6923C>T, p.Ala2308Val (NM_001351834.2); c.641-17102G>A (NM_001330368.2); c.*38+9047G>A (NM_001351110.2); short protein forms A2308V.
Identifiers: ClinVar variation 230229 (VCV000230229.14), dbSNP rs876658454, ClinGen allele CA10579239.
Genomic context (GRCh38, chr11:108,326,173, plus strand): 5'-TCTCTGAGTGGCAGCTGGAAGAAGCACAAGTATTCTGGGCAAAAAAGGAGCAGAGTCTTG[C>T]CCTGAGTATTCTCAAGCAAATGATCAAGAAGTTGGATGCCAGCTGTGCAGCGGTTTGTTT-3'
Protein context (NP_000042.3, residues 2298-2318): VFWAKKEQSL[Ala2308Val]LSILKQMIKK